The following is an entry in ClinVar:

NM_003482.4(KMT2D):c.7186T>C (p.Cys2396Arg)

Gene: KMT2D (lysine methyltransferase 2D; minus strand). Cytogenetic location: 12q13.12.
Variant type: single nucleotide variant.
Coding change: c.7186T>C on transcript NM_003482.4 (MANE Select); coding-DNA position 7186, T replaced by C.
Protein change: p.Cys2396Arg; replaces cysteine 2396 with arginine.
Molecular consequence: missense variant.
Genome position (GRCh38, 1-based): chr12:49,040,584, A>G on the plus strand (T>C on the coding strand, the complement: KMT2D is on the minus strand). VCF-style: chr12-49040584-A-G. GRCh37 (hg19) VCF-style: chr12-49434367-A-G.
Other names: short protein forms C2396R.
Identifiers: ClinVar variation 2058415 (VCV002058415.4), dbSNP rs2120531084, ClinGen allele CA384748206.

ClinVar aggregate classification (germline): Uncertain significance (1 of 4 stars; one submission).

Conditions:
Kabuki syndrome. Also called: NIIKAWA-KUROKI SYNDROME; Kabuki make-up syndrome. Identifiers: Orphanet 2322, MedGen C0796004, MONDO:0016512.

Allele frequency attached by ClinVar (database versions not stated): gnomAD exomes below 0.00001.
gnomAD v4.1: 1 of 1,613,146 alleles (0.000062%); highest among the groups gnomAD compares: Non-Finnish European, 0.000085%; no homozygotes.

Submission:

Labcorp Genetics (formerly Invitae), Labcorp
Classification: Uncertain significance for Kabuki syndrome. Last evaluated: 2021-12-24. Review status: criteria provided, single submitter. Criteria: Invitae Variant Classification Sherloc (09022015). Collection method: clinical testing. Allele origin: germline.
Comment: Advanced modeling of protein sequence and biophysical properties (such as structural, functional, and spatial information, amino acid conservation, physicochemical variation, residue mobility, and thermodynamic stability) performed at Invitae indicates that this missense variant is not expected to disrupt KMT2D protein function. In summary, the available evidence is currently insufficient to determine the role of this variant in disease. Therefore, it has been classified as a Variant of Uncertain Significance. This variant has not been reported in the literature in individuals affected with KMT2D-related conditions. This sequence change replaces cysteine, which is neutral and slightly polar, with arginine, which is basic and polar, at codon 2396 of the KMT2D protein (p.Cys2396Arg). This variant is not present in population databases (gnomAD no frequency).